The following is an entry in ClinVar:

ClinVar aggregate classification (germline): Uncertain significance. Review status: criteria provided, multiple submitters, no conflicts (2 of 4 stars). 3 submissions from 3 submitters: Uncertain significance (3). Last evaluated 2024-12-07.

Conditions:
Cardiac arrhythmia. Also called: Arrhythmia; Cardiac rhythm disease. Identifiers: MedGen C0003811, MONDO:0007263, HP:0011675.
Long QT syndrome (LQTS). Identifiers: MedGen C0023976, MeSH D008133, MONDO:0002442. Disease mechanism: loss of function. Inheritance: Various modes of inheritance.

Allele frequency attached by ClinVar (database versions not stated): gnomAD exomes below 0.00001; TOPMed below 0.00001.
gnomAD v4.1: 5 of 1,599,324 alleles (0.00031%); highest among the groups gnomAD compares: East Asian, 0.0022%; no homozygotes.

Submissions (3):

Labcorp Genetics (formerly Invitae), Labcorp
Classification: Uncertain significance for Long QT syndrome. Last evaluated: 2024-12-07. Review status: criteria provided, single submitter. Criteria: Invitae Variant Classification Sherloc (09022015). Collection method: clinical testing. Allele origin: germline.
Comment: This sequence change replaces threonine, which is neutral and polar, with isoleucine, which is neutral and non-polar, at codon 1102 of the KCNH2 protein (p.Thr1102Ile). This variant is not present in population databases (gnomAD no frequency). This variant has not been reported in the literature in individuals affected with KCNH2-related conditions. ClinVar contains an entry for this variant (Variation ID: 200531). An algorithm developed to predict the effect of missense changes on protein structure and function outputs the following: PolyPhen-2: "Benign". The isoleucine amino acid residue is found in multiple mammalian species, which suggests that this missense change does not adversely affect protein function. In summary, the available evidence is currently insufficient to determine the role of this variant in disease. Therefore, it has been classified as a Variant of Uncertain Significance.

Color Diagnostics, LLC DBA Color Health
Classification: Uncertain significance for Cardiac arrhythmia. Last evaluated: 2023-12-05. Review status: criteria provided, single submitter. Criteria: ACMG Guidelines, 2015. Collection method: clinical testing. Allele origin: germline.
Comment: This missense variant replaces threonine with isoleucine at codon 1102 of the KCNH2 protein. Computational prediction tools and conservation analyses suggest that this variant may not impact the protein function. Computational splicing tools suggest that this variant may not impact RNA splicing. To our knowledge, functional assays have not been performed for this variant nor has this variant been reported in individuals affected with cardiovascular disorders in the literature. This variant has not been identified in the general population by the Genome Aggregation Database (gnomAD). Available evidence is insufficient to determine the role of this variant in disease conclusively. Therefore, this variant is classified as a Variant of Uncertain Significance.

GeneDx
Classification: Uncertain significance. Last evaluated: 2018-12-10. Review status: criteria provided, single submitter. Criteria: GeneDx Variant Classification (06012015). Collection method: clinical testing. Allele origin: germline. Affected: yes.
Comment: The T1102I variant of uncertain significance in the KCNH2 gene has not been published as pathogenic or been reported as benign to our knowledge. This variant has been identified in at least three unrelated individuals referred for arrhythmia genetic testing at GeneDx; however, two of these individuals also harbor another likely pathogenic variant. The T1102I variant is not observed in large population cohorts (Lek et al., 2016). T1102I is a non-conservative amino acid substitution, which is likely to impact secondary protein structure as these residues differ in polarity, charge, size and/or other properties. However, in-silico analyses, including protein predictors and evolutionary conservation, support that this variant does not alter protein structure/function. Additional evidence is needed to clarify pathogenicity, including observation in a significant number of affected individuals, segregation data, and functional evidence.Therefore, based on the currently available information, it is unclear whether this variant is pathogenic or benign.

NM_000238.4(KCNH2):c.3305C>T (p.Thr1102Ile)

Gene: KCNH2 (potassium voltage-gated channel subfamily H member 2; minus strand). Cytogenetic location: 7q36.1.
Variant type: single nucleotide variant.
Coding change: c.3305C>T on transcript NM_000238.4 (MANE Select); coding-DNA position 3305, C replaced by T.
Protein change: p.Thr1102Ile; replaces threonine 1102 with isoleucine.
Molecular consequence: missense variant. On other transcripts: non-coding transcript variant (2).
Genome position (GRCh38, 1-based): chr7:150,946,902, G>A on the plus strand (C>T on the coding strand, the complement: KCNH2 is on the minus strand). VCF-style: chr7-150946902-G-A. GRCh37 (hg19) VCF-style: chr7-150643990-G-A.
Other names: p.T1102I:ACC>ATC; c.3017C>T, p.Thr1006Ile (NM_001406753.1); c.2285C>T, p.Thr762Ile (NM_172057.3); short protein forms T1102I, T762I, T1006I.
Identifiers: ClinVar variation 200531 (VCV000200531.15), dbSNP rs794728405, ClinGen allele CA008180.